The following is an entry in ClinVar:

ClinVar aggregate classification (germline): Uncertain significance (1 of 4 stars; one submission).

Conditions:
EGFR-related lung cancer (EGFR). Identifiers: MedGen CN130014.

Submission:

Labcorp Genetics (formerly Invitae), Labcorp
Classification: Uncertain significance for EGFR-related lung cancer. Last evaluated: 2023-06-20. Review status: criteria provided, single submitter. Criteria: Invitae Variant Classification Sherloc (09022015). Collection method: clinical testing. Allele origin: germline.
Comment: This sequence change replaces valine, which is neutral and non-polar, with methionine, which is neutral and non-polar, at codon 845 of the EGFR protein (p.Val845Met). This variant is not present in population databases (gnomAD no frequency). In summary, the available evidence is currently insufficient to determine the role of this variant in disease. Therefore, it has been classified as a Variant of Uncertain Significance. Advanced modeling of protein sequence and biophysical properties (such as structural, functional, and spatial information, amino acid conservation, physicochemical variation, residue mobility, and thermodynamic stability) performed at Invitae indicates that this missense variant is not expected to disrupt EGFR protein function. This variant has not been reported in the literature in individuals affected with EGFR-related conditions.

NM_005228.5(EGFR):c.2533G>A (p.Val845Met)

Gene: EGFR (epidermal growth factor receptor; plus strand). Cytogenetic location: 7p11.2.
Variant type: single nucleotide variant.
Coding change: c.2533G>A on transcript NM_005228.5 (MANE Select); coding-DNA position 2533, G replaced by A.
Protein change: p.Val845Met; replaces valine 845 with methionine.
Molecular consequence: missense variant.
Genome position (GRCh38, 1-based): chr7:55,191,782, G>A. VCF-style: chr7-55191782-G-A. GRCh37 (hg19) VCF-style: chr7-55259475-G-A.
Other names: c.2398G>A, p.Val800Met (NM_001346897.2, NM_001346899.2); c.2533G>A, p.Val845Met (NM_001346898.2); c.2374G>A, p.Val792Met (NM_001346900.2); c.1732G>A, p.Val578Met (NM_001346941.2); short protein forms V578M, V800M, V792M, V845M.
Identifiers: ClinVar variation 2720219 (VCV002720219.3), dbSNP rs1787407031, ClinGen allele CA367580186.